The following is an entry in ClinVar:

ClinVar aggregate classification (germline): Uncertain significance (1 of 4 stars; one submission).

gnomAD v4.1: 1 of 1,613,764 alleles (0.000062%); highest among the groups gnomAD compares: African/African-American, 0.0013%; no homozygotes.

Submission:

Labcorp Genetics (formerly Invitae), Labcorp
Classification: Uncertain significance. Last evaluated: 2025-04-23. Review status: criteria provided, single submitter. Criteria: Invitae Variant Classification Sherloc (09022015). Collection method: clinical testing. Allele origin: germline.
Comment: This sequence change replaces valine, which is neutral and non-polar, with alanine, which is neutral and non-polar, at codon 994 of the LRP5 protein (p.Val994Ala). This variant is present in population databases (no rsID available, gnomAD 0.01%). This variant has not been reported in the literature in individuals affected with LRP5-related conditions. ClinVar contains an entry for this variant (Variation ID: 3687812). Invitae Evidence Modeling of protein sequence and biophysical properties (such as structural, functional, and spatial information, amino acid conservation, physicochemical variation, residue mobility, and thermodynamic stability) indicates that this missense variant is not expected to disrupt LRP5 protein function with a negative predictive value of 95%. In summary, the available evidence is currently insufficient to determine the role of this variant in disease. Therefore, it has been classified as a Variant of Uncertain Significance.

NM_002335.4(LRP5):c.2981T>C (p.Val994Ala)

Gene: LRP5 (LDL receptor related protein 5; plus strand). Cytogenetic location: 11q13.2.
Variant type: single nucleotide variant.
Coding change: c.2981T>C on transcript NM_002335.4 (MANE Select); coding-DNA position 2981, T replaced by C.
Protein change: p.Val994Ala; replaces valine 994 with alanine.
Molecular consequence: missense variant.
Genome position (GRCh38, 1-based): chr11:68,416,481, T>C. VCF-style: chr11-68416481-T-C. GRCh37 (hg19) VCF-style: chr11-68183949-T-C.
Other names: c.1238T>C, p.Val413Ala (NM_001291902.2); short protein forms V994A, V413A.
Identifiers: ClinVar variation 3687812 (VCV003687812.2).